The following is an entry in ClinVar:

ClinVar aggregate classification (germline): Uncertain significance. Review status: criteria provided, multiple submitters, no conflicts (2 of 4 stars). 3 submissions from 3 submitters: Uncertain significance (3). Last evaluated 2025-08-10.

Conditions:
Hajdu-Cheney syndrome (HJCYS). Also called: SERPENTINE FIBULA-POLYCYSTIC KIDNEY SYNDROME; Acroosteolysis dominant type; ACROOSTEOLYSIS WITH OSTEOPOROSIS AND CHANGES IN SKULL AND MANDIBLE. Identifiers: Orphanet 955, MedGen C0917715, MONDO:0007057, OMIM 102500.
NOTCH2-related disorder. Also called: NOTCH2-related condition.

Allele frequency attached by ClinVar (database versions not stated): gnomAD exomes 0.00002 and 0.00001; gnomAD 0.00003 and 0.00004; ExAC 0.00004; ESP Exome Variant Server 0.00008; TOPMed 0.00001.
gnomAD v4.1: 26 of 1,613,992 alleles (0.0016%); highest among the groups gnomAD compares: South Asian, 0.0055%; no homozygotes.

Submissions (3):

Labcorp Genetics (formerly Invitae), Labcorp
Classification: Uncertain significance for Hajdu-Cheney syndrome. Last evaluated: 2025-08-10. Review status: criteria provided, single submitter. Criteria: Invitae Variant Classification Sherloc (09022015). Collection method: clinical testing. Allele origin: germline.
Comment: This sequence change replaces aspartic acid, which is acidic and polar, with asparagine, which is neutral and polar, at codon 1432 of the NOTCH2 protein (p.Asp1432Asn). This variant is present in population databases (rs145336945, gnomAD 0.008%). This variant has not been reported in the literature in individuals affected with NOTCH2-related conditions. ClinVar contains an entry for this variant (Variation ID: 596269). Invitae Evidence Modeling of protein sequence and biophysical properties (such as structural, functional, and spatial information, amino acid conservation, physicochemical variation, residue mobility, and thermodynamic stability) indicates that this missense variant is not expected to disrupt NOTCH2 protein function with a negative predictive value of 80%. In summary, the available evidence is currently insufficient to determine the role of this variant in disease. Therefore, it has been classified as a Variant of Uncertain Significance.

PreventionGenetics, part of Exact Sciences
Classification: Uncertain significance for NOTCH2-related condition. Last evaluated: 2025-01-27. Review status: criteria provided, single submitter. Criteria: ACMG Guidelines, 2015. Collection method: clinical testing. Allele origin: germline.
Comment: The NOTCH2 c.4294G>A variant is predicted to result in the amino acid substitution p.Asp1432Asn. To our knowledge, this variant has not been reported in the literature. This variant is reported in 0.0050% of alleles in individuals of East Asian descent in gnomAD. At this time, the clinical significance of this variant is uncertain due to the absence of conclusive functional and genetic evidence.

Eurofins Ntd Llc (ga)
Classification: Uncertain significance. Last evaluated: 2018-02-23. Review status: criteria provided, single submitter. Criteria: EGL ClinVar v180209 classification definitions. Collection method: clinical testing. Allele origin: germline. Observed: 1 variant allele, 1 heterozygote.

NM_024408.4(NOTCH2):c.4294G>A (p.Asp1432Asn)

Gene: NOTCH2 (notch receptor 2; minus strand). Cytogenetic location: 1p12.
Variant type: single nucleotide variant.
Coding change: c.4294G>A on transcript NM_024408.4 (MANE Select); coding-DNA position 4294, G replaced by A.
Protein change: p.Asp1432Asn; replaces aspartic acid 1432 with asparagine.
Molecular consequence: missense variant.
Genome position (GRCh38, 1-based): chr1:119,925,522, C>T on the plus strand (G>A on the coding strand, the complement: NOTCH2 is on the minus strand). VCF-style: chr1-119925522-C-T. GRCh37 (hg19) VCF-style: chr1-120468145-C-T.
Other names: c.4294G>A (NM_024408.3); short protein forms D1432N.
Identifiers: ClinVar variation 596269 (VCV000596269.12), dbSNP rs145336945, ClinGen allele CA1039879.